The following is an entry in ClinVar:

NM_002302.3(LECT2):c.432G>A (p.Ser144=)

Gene: LECT2 (leukocyte cell derived chemotaxin 2; minus strand). Cytogenetic location: 5q31.1.
Variant type: single nucleotide variant.
Coding change: c.432G>A on transcript NM_002302.3 (MANE Select); coding-DNA position 432, G replaced by A.
Protein change: p.Ser144=; no amino-acid change (serine 144 retained).
Molecular consequence: synonymous variant.
Genome position (GRCh38, 1-based): chr5:135,947,355, C>T on the plus strand (G>A on the coding strand, the complement: LECT2 is on the minus strand). VCF-style: chr5-135947355-C-T. GRCh37 (hg19) VCF-style: chr5-135283044-C-T.
Identifiers: ClinVar variation 3042925 (VCV003042925.2), dbSNP rs755344880, ClinGen allele CA3419739.

ClinVar aggregate classification (germline): Likely benign (0 of 4 stars; one submission).

Conditions:
LECT2-related disorder. Also called: LECT2-related condition.

Allele frequency attached by ClinVar (database versions not stated): gnomAD 0.00007.
gnomAD v4.1: 126 of 1,613,694 alleles (0.0078%); highest among the groups gnomAD compares: South Asian, 0.015%; no homozygotes.

Submission:

PreventionGenetics, part of Exact Sciences
Classification: Likely benign for LECT2-related condition. Last evaluated: 2019-06-21. Review status: no assertion criteria provided. Collection method: clinical testing. Allele origin: germline.
Comment: This variant is classified as likely benign based on ACMG/AMP sequence variant interpretation guidelines (Richards et al. 2015 PMID: 25741868, with internal and published modifications).